The following is an entry in ClinVar:

NM_000302.4(PLOD1):c.1769A>G (p.Gln590Arg)

Gene: PLOD1 (procollagen-lysine,2-oxoglutarate 5-dioxygenase 1; plus strand). Cytogenetic location: 1p36.22.
Variant type: single nucleotide variant.
Coding change: c.1769A>G on transcript NM_000302.4 (MANE Select); coding-DNA position 1769, A replaced by G.
Protein change: p.Gln590Arg; replaces glutamine 590 with arginine.
Molecular consequence: missense variant.
Genome position (GRCh38, 1-based): chr1:11,970,683, A>G. VCF-style: chr1-11970683-A-G. GRCh37 (hg19) VCF-style: chr1-12030740-A-G.
Other names: c.1910A>G, p.Gln637Arg (NM_001316320.2); short protein forms Q590R, Q637R.
Identifiers: ClinVar variation 1779728 (VCV001779728.2), dbSNP rs2100764621, ClinGen allele CA338449020.

ClinVar aggregate classification (germline): Uncertain significance (1 of 4 stars; one submission).

Conditions:
Familial thoracic aortic aneurysm and aortic dissection (TAAD). Also called: Thoracic aortic aneurysms and dissections. Identifiers: Orphanet 91387, MedGen C4707243, MONDO:0019625.

Submission:

Ambry Genetics
Classification: Uncertain significance for Familial thoracic aortic aneurysm and aortic dissection. Last evaluated: 2022-07-17. Review status: criteria provided, single submitter. Criteria: Ambry Variant Classification Scheme 2023. Collection method: clinical testing. Allele origin: germline.
Comment: The p.Q590R variant (also known as c.1769A>G), located in coding exon 17 of the PLOD1 gene, results from an A to G substitution at nucleotide position 1769. The glutamine at codon 590 is replaced by arginine, an amino acid with highly similar properties. This amino acid position is conserved. In addition, this alteration is predicted to be deleterious by in silico analysis. Since supporting evidence is limited at this time, the clinical significance of this alteration remains unclear.